The following is an entry in ClinVar:

ClinVar aggregate classification (germline): Uncertain significance. Review status: criteria provided, multiple submitters, no conflicts (2 of 4 stars). 2 submissions from 2 submitters: Uncertain significance (2). Last evaluated 2025-05-04.

Conditions:
Inborn genetic diseases. Identifiers: MedGen C0950123, MeSH D030342.

Allele frequency attached by ClinVar (database versions not stated): ExAC 0.00001; gnomAD 0.00001; 1000 Genomes Project 0.00020; 1000 Genomes Project 30x 0.00031.
gnomAD v4.1: 3 of 1,599,734 alleles (0.00019%); highest among the groups gnomAD compares: Admixed American, 0.0018%; no homozygotes.

Submissions (2):

Ambry Genetics
Classification: Uncertain significance for Inborn genetic diseases. Last evaluated: 2025-05-04. Review status: criteria provided, single submitter. Criteria: Ambry Variant Classification Scheme 2023. Collection method: clinical testing. Allele origin: germline.
Comment: The p.V203I variant (also known as c.607G>A), located in coding exon 4 of the ERCC6L2 gene, results from a G to A substitution at nucleotide position 607. The valine at codon 203 is replaced by isoleucine, an amino acid with highly similar properties. This amino acid position is conserved. In addition, the in silico prediction for this alteration is inconclusive. Based on the available evidence, the clinical significance of this variant remains unclear.

Labcorp Genetics (formerly Invitae), Labcorp
Classification: Uncertain significance. Last evaluated: 2022-03-14. Review status: criteria provided, single submitter. Criteria: Invitae Variant Classification Sherloc (09022015). Collection method: clinical testing. Allele origin: germline.
Comment: This variant has not been reported in the literature in individuals affected with ERCC6L2-related conditions. This variant is not present in population databases (gnomAD no frequency). This sequence change replaces valine, which is neutral and non-polar, with isoleucine, which is neutral and non-polar, at codon 214 of the ERCC6L2 protein (p.Val214Ile). Algorithms developed to predict the effect of missense changes on protein structure and function are either unavailable or do not agree on the potential impact of this missense change (SIFT: "Deleterious"; PolyPhen-2: "Not Available"; Align-GVGD: "Class C0"). In summary, the available evidence is currently insufficient to determine the role of this variant in disease. Therefore, it has been classified as a Variant of Uncertain Significance. Algorithms developed to predict the effect of sequence changes on RNA splicing suggest that this variant may create or strengthen a splice site.

NM_020207.7(ERCC6L2):c.607G>A (p.Val203Ile)

Gene: ERCC6L2 (ERCC excision repair 6 like 2; plus strand). Cytogenetic location: 9q22.32.
Variant type: single nucleotide variant.
Coding change: c.607G>A on transcript NM_020207.7 (MANE Select); coding-DNA position 607, G replaced by A.
Protein change: p.Val203Ile; replaces valine 203 with isoleucine.
Molecular consequence: missense variant. On other transcripts: non-coding transcript variant (1).
Genome position (GRCh38, 1-based): chr9:95,907,090, G>A. VCF-style: chr9-95907090-G-A. GRCh37 (hg19) VCF-style: chr9-98669372-G-A.
Other names: c.607G>A, p.Val203Ile (NM_001010895.4, NM_001375291.1, NM_001375292.1 and 2 more transcripts); short protein forms V203I.
Identifiers: ClinVar variation 2111933 (VCV002111933.5), dbSNP rs544107263, ClinGen allele CA5139349.